The following is an entry in ClinVar:

NM_000298.6(PKLR):c.1595G>C (p.Arg532Pro)

Gene: PKLR (pyruvate kinase L/R; minus strand). Cytogenetic location: 1q22.
Variant type: single nucleotide variant.
Coding change: c.1595G>C on transcript NM_000298.6 (MANE Select); coding-DNA position 1595, G replaced by C.
Protein change: p.Arg532Pro; replaces arginine 532 with proline.
Molecular consequence: missense variant.
Genome position (GRCh38, 1-based): chr1:155,291,779, C>G on the plus strand (G>C on the coding strand, the complement: PKLR is on the minus strand). VCF-style: chr1-155291779-C-G. GRCh37 (hg19) VCF-style: chr1-155261570-C-G.
Other names: c.1502G>C, p.Arg501Pro (NM_181871.4); short protein forms R501P, R532P.
Identifiers: ClinVar variation 1380720 (VCV001380720.8), dbSNP rs758278200, ClinGen allele CA342750396.
Genomic context (GRCh38, chr1:155,291,779, plus strand): 5'-AATGGTAGGAGTGGCAGGGAAGGTCTAGGTAGCTCACCACTTTCAATGCCAAATTGCACC[C>G]GGCGATCTACATCATCTGCCCAGATGGCTTCTGGAGGTTCACGGTAAAGCAAGGGGAAGA-3'
Protein context (NP_000289.1, residues 522-542): EAIWADDVDR[Arg532Pro]VQFGIESGKL

ClinVar aggregate classification (germline): Likely pathogenic. Review status: criteria provided, multiple submitters, no conflicts (2 of 4 stars). 2 submissions from 2 submitters: Likely pathogenic (2). Last evaluated 2026-03-25.

Conditions:
Pyruvate kinase deficiency of red cells (CNSHA2). Also called: PK DEFICIENCY; PYRUVATE KINASE DEFICIENCY OF ERYTHROCYTE; Pyruvate kinase deficiency, Amish type. Identifiers: Orphanet 766, MedGen C0340968, MONDO:0009950, OMIM 266200.

Submissions (2):

Institute of Medical Genetics and Applied Genomics, University Hospital Tübingen
Classification: Likely pathogenic for Pyruvate kinase deficiency of red cells. Last evaluated: 2026-03-25. Review status: criteria provided, single submitter. Criteria: ACMG Guidelines, 2015. Collection method: clinical testing. Allele origin: germline. Inheritance: Autosomal recessive inheritance. Affected: yes.

Labcorp Genetics (formerly Invitae), Labcorp
Classification: Likely pathogenic. Last evaluated: 2025-08-21. Review status: criteria provided, single submitter. Criteria: Invitae Variant Classification Sherloc (09022015). Collection method: clinical testing. Allele origin: germline.
Comment: This sequence change replaces arginine, which is basic and polar, with proline, which is neutral and non-polar, at codon 532 of the PKLR protein (p.Arg532Pro). This variant is not present in population databases (gnomAD no frequency). This missense change has been observed in individual(s) with pyruvate kinase deficiency (PMID: 33631127). In at least one individual the data is consistent with being in trans (on the opposite chromosome) from a pathogenic variant. ClinVar contains an entry for this variant (Variation ID: 1380720). Invitae Evidence Modeling of protein sequence and biophysical properties (such as structural, functional, and spatial information, amino acid conservation, physicochemical variation, residue mobility, and thermodynamic stability) indicates that this missense variant is expected to disrupt PKLR protein function with a positive predictive value of 80%. This variant disrupts the p.Arg532 amino acid residue in PKLR. Other variant(s) that disrupt this residue have been determined to be pathogenic (PMID: 7948315, 8180378, 11960989, 29396846). This suggests that this residue is clinically significant, and that variants that disrupt this residue are likely to be disease-causing. In summary, the currently available evidence indicates that the variant is pathogenic, but additional data are needed to prove that conclusively. Therefore, this variant has been classified as Likely Pathogenic.

Literature cited by the submitters: PubMed 33631127 (cited by Labcorp Genetics (formerly Invitae), Labcorp); PubMed 7948315 (cited by Labcorp Genetics (formerly Invitae), Labcorp); PubMed 8180378 (cited by Labcorp Genetics (formerly Invitae), Labcorp); PubMed 11960989 (cited by Labcorp Genetics (formerly Invitae), Labcorp); PubMed 29396846 (cited by Labcorp Genetics (formerly Invitae), Labcorp).